The following is an entry in ClinVar:

NM_203475.3(PORCN):c.779T>C (p.Phe260Ser)

Gene: PORCN (porcupine O-acyltransferase; plus strand). Cytogenetic location: Xp11.23.
Variant type: single nucleotide variant.
Coding change: c.779T>C on transcript NM_203475.3 (MANE Select); coding-DNA position 779, T replaced by C.
Protein change: p.Phe260Ser; replaces phenylalanine 260 with serine.
Molecular consequence: missense variant.
Genome position (GRCh38, 1-based): chrX:48,514,299, T>C. VCF-style: chrX-48514299-T-C. GRCh37 (hg19) VCF-style: chrX-48372687-T-C.
Other names: c.533T>C, p.Phe178Ser (NM_001282167.2); c.746T>C, p.Phe249Ser (NM_022825.4); c.764T>C, p.Phe255Ser (NM_203473.3); c.761T>C, p.Phe254Ser (NM_203474.1); short protein forms F178S, F249S, F254S, F255S, F260S.
Identifiers: ClinVar variation 2660454 (VCV002660454.24), dbSNP rs2519468295, ClinGen allele CA412846375.
Genomic context (GRCh38, chrX:48,514,299, plus strand): 5'-GGTGGCTGCGAGCCTACGAGAGTGCTGTCTCCTTCCACTTCAGCAACTATTTTGTGGGCT[T>C]TCTTTCCGAGGCCACGGCCACGTTGGCGGGGGCTGGCTTTACCGAGGAGAAGGATCACCT-3'
Protein context (NP_982301.1, residues 250-270): SFHFSNYFVG[Phe260Ser]LSEATATLAG

ClinVar aggregate classification (germline): Uncertain significance (1 of 4 stars; one submission).

Allele frequency attached by ClinVar (database versions not stated): gnomAD exomes below 0.00001.
gnomAD v4.1: 1 of 1,211,884 alleles (0.000083%); highest among the groups gnomAD compares: Non-Finnish European, 0.00011%; no homozygotes.

Submission:

CeGaT Center for Human Genetics Tuebingen
Classification: Uncertain significance. Last evaluated: 2023-09-01. Review status: criteria provided, single submitter. Criteria: CeGaT Center For Human Genetics Tuebingen Variant Classification Criteria Version 2. Collection method: clinical testing. Allele origin: germline. Affected: yes. Observed: 1 variant allele.
Comment: PORCN: PM2